The following is an entry in ClinVar:

NM_001367868.2(PLIN4):c.2475G>A (p.Leu825=)

Gene: PLIN4 (perilipin 4; minus strand). Cytogenetic location: 19p13.3.
Variant type: single nucleotide variant.
Coding change: c.2475G>A on transcript NM_001367868.2 (MANE Select); coding-DNA position 2475, G replaced by A.
Protein change: p.Leu825=; no amino-acid change (leucine 825 retained).
Molecular consequence: synonymous variant.
Genome position (GRCh38, 1-based): chr19:4,511,485, C>T on the plus strand (G>A on the coding strand, the complement: PLIN4 is on the minus strand). VCF-style: chr19-4511485-C-T. GRCh37 (hg19) VCF-style: chr19-4511497-C-T.
Other names: c.2478G>A, p.Leu826= (NM_001393888.1, NM_001393889.1); c.2475G>A, p.Leu825= (NM_001393890.1, NM_001393891.1).
Identifiers: ClinVar variation 4534041 (VCV004534041.6).

ClinVar aggregate classification (germline): Likely benign (1 of 4 stars; one submission).

Submission:

CeGaT Center for Human Genetics Tuebingen
Classification: Likely benign. Last evaluated: 2025-10-01. Review status: criteria provided, single submitter. Criteria: CeGaT Center For Human Genetics Tuebingen Variant Classification Criteria Version 2. Collection method: clinical testing. Allele origin: germline. Affected: yes. Observed: 2 variant alleles.
Comment: PLIN4: BP4, BP7